The following is an entry in ClinVar:

NM_000138.5(FBN1):c.3791T>G (p.Leu1264Trp)

Gene: FBN1 (fibrillin 1; minus strand). Cytogenetic location: 15q21.1.
Variant type: single nucleotide variant.
Coding change: c.3791T>G on transcript NM_000138.5 (MANE Select); coding-DNA position 3791, T replaced by G.
Protein change: p.Leu1264Trp; replaces leucine 1264 with tryptophan.
Molecular consequence: missense variant.
Genome position (GRCh38, 1-based): chr15:48,483,865, A>C on the plus strand (T>G on the coding strand, the complement: FBN1 is on the minus strand). VCF-style: chr15-48483865-A-C. GRCh37 (hg19) VCF-style: chr15-48776062-A-C.
Other names: c.3791T>G, p.Leu1264Trp (NM_001406716.1); short protein forms L1264W.
Identifiers: ClinVar variation 4537778 (VCV004537778.1).

ClinVar aggregate classification (germline): Uncertain significance (1 of 4 stars; one submission).

Submission:

GeneDx
Classification: Uncertain significance. Last evaluated: 2025-06-12. Review status: criteria provided, single submitter. Criteria: GeneDx Variant Classification Process June 2021. Collection method: clinical testing. Allele origin: germline. Affected: yes.
Comment: Not observed at significant frequency in large population cohorts (gnomAD); In silico analysis supports that this missense variant has a deleterious effect on protein structure/function; Has not been previously published as pathogenic or benign to our knowledge; Does not affect a cysteine or calcium-binding residue within an EGF-like domain or a TGF-binding protein domain of the FBN1 gene; cysteine substitutions in the EGF-like domains represent the majority of pathogenic missense changes associated with FBN1-related disorders (PMID: 12938084); This variant is associated with the following publications: (PMID: 12938084)